The following is an entry in ClinVar:

NM_144997.7(FLCN):c.1559A>G (p.Lys520Arg)

Gene: FLCN (folliculin; minus strand). Cytogenetic location: 17p11.2.
Variant type: single nucleotide variant.
Coding change: c.1559A>G on transcript NM_144997.7 (MANE Select); coding-DNA position 1559, A replaced by G.
Protein change: p.Lys520Arg; replaces lysine 520 with arginine.
Molecular consequence: missense variant.
Genome position (GRCh38, 1-based): chr17:17,213,836, T>C on the plus strand (A>G on the coding strand, the complement: FLCN is on the minus strand). VCF-style: chr17-17213836-T-C. GRCh37 (hg19) VCF-style: chr17-17117150-T-C.
Other names: c.1559A>G (LRG_325t1); c.1613A>G, p.Lys538Arg (NM_001353229.2); c.1559A>G, p.Lys520Arg (NM_001353230.2, NM_001353231.2); short protein forms K520R, K538R.
Identifiers: ClinVar variation 653093 (VCV000653093.16), dbSNP rs142288285, ClinGen allele CA8415935.
Genomic context (GRCh38, chr17:17,213,836, plus strand): 5'-CCCAGGATGCTCAGCAGCTTCTGTGTGTCCTCTTTGGGTCGACTGTCCACCTTGGTGAAC[T>C]TAAAAAGCACCTTCACTTTGCTGAAGAAAACCAAAACAAAACACTCAGACACCACAGCAC-3'
Protein context (NP_659434.2, residues 510-530): EWMNKVKVLF[Lys520Arg]FTKVDSRPKE

ClinVar aggregate classification (germline): Conflicting classifications of pathogenicity. Review status: criteria provided, conflicting classifications (1 of 4 stars). 5 submissions from 5 submitters: Uncertain significance (3); Benign (1); Likely benign (1). Last evaluated 2025-11-23.

Conditions:
Hereditary cancer-predisposing syndrome. Also called: Hereditary Cancer Syndrome; Tumor predisposition; Neoplastic Syndromes, Hereditary; Hereditary neoplastic syndrome. Identifiers: Orphanet 140162, MedGen C0027672, MeSH D009386, MONDO:0015356.
Familial spontaneous pneumothorax (PSP). Identifiers: Orphanet 2903, MedGen C1868193, MONDO:0008259, OMIM 173600.
Birt-Hogg-Dube syndrome 1 (BHD1). Also called: FIBROFOLLICULOMAS WITH TRICHODISCOMAS AND ACROCHORDONS. Identifiers: Orphanet 122, MedGen CN375946, MONDO:0800445, OMIM 135150.
Birt-Hogg-Dube syndrome. Also called: Birt Hogg Dubé syndrome. Identifiers: Orphanet 122, MedGen C0346010, MONDO:0800444.

Allele frequency attached by ClinVar (database versions not stated): gnomAD exomes 0.00001 and 0.00002; ExAC 0.00002; gnomAD 0.00002; 1000 Genomes Project 30x 0.00031; 1000 Genomes Project 0.00040.

Submissions (5):

Labcorp Genetics (formerly Invitae), Labcorp
Classification: Uncertain significance for Birt-Hogg-Dube syndrome. Last evaluated: 2025-11-23. Review status: criteria provided, single submitter. Criteria: Invitae Variant Classification Sherloc (09022015). Collection method: clinical testing. Allele origin: germline.
Comment: This sequence change replaces lysine, which is basic and polar, with arginine, which is basic and polar, at codon 520 of the FLCN protein (p.Lys520Arg). This variant is present in population databases (rs142288285, gnomAD 0.02%). This variant has not been reported in the literature in individuals affected with FLCN-related conditions. ClinVar contains an entry for this variant (Variation ID: 653093). Invitae Evidence Modeling of protein sequence and biophysical properties (such as structural, functional, and spatial information, amino acid conservation, physicochemical variation, residue mobility, and thermodynamic stability) indicates that this missense variant is not expected to disrupt FLCN protein function with a negative predictive value of 80%. RNA analysis performed to evaluate the impact of this missense change on mRNA splicing indicates it does not significantly alter splicing (internal data). In summary, the available evidence is currently insufficient to determine the role of this variant in disease. Therefore, it has been classified as a Variant of Uncertain Significance.

Myriad Genetics, Inc.
Classification: Likely benign for Birt-Hogg-Dube syndrome 1. Last evaluated: 2024-08-08. Review status: criteria provided, single submitter. Criteria: Myriad Autosomal Dominant, Autosomal Recessive and X-Linked Classification Criteria (2023). Collection method: clinical testing. Allele origin: unknown.
Comment: This variant is considered likely benign. This variant has been observed at a population frequency that is significantly greater than expected given the associated disease prevalence and penetrance.

St. Jude Molecular Pathology, St. Jude Children's Research Hospital
Classification: Uncertain significance for Birt-Hogg-Dube syndrome 1. Last evaluated: 2023-09-22. Review status: criteria provided, single submitter. Criteria: St. Jude Assertion Criteria 2020. Collection method: clinical testing. Allele origin: germline.
Comment: The FLCN c.1559A>G (p.Lys520Arg) missense change has a maximum subpopulation frequency of 0.027% in gnomAD v2.1.1. The in silico tool REVEL is inconclusive about a pathogenic or benign effect of this variant on protein function, and to our knowledge functional studies have not been performed. To our knowledge, this variant has not been reported in individuals with Birt-Hogg-Dubé syndrome. In summary, the evidence currently available is insufficient to determine the clinical significance of this variant. It has therefore been classified as of uncertain significance.

Ambry Genetics
Classification: Benign for Hereditary cancer-predisposing syndrome. Last evaluated: 2023-06-19. Review status: criteria provided, single submitter. Criteria: Ambry Variant Classification Scheme 2023. Collection method: clinical testing. Allele origin: germline.

Baylor Genetics
Classification: Uncertain significance for Familial spontaneous pneumothorax. Last evaluated: 2020-04-24. Review status: criteria provided, single submitter. Criteria: ACMG Guidelines, 2015. Collection method: clinical testing. Allele origin: maternal. Affected: yes. Study: CSER-TexasKidsCanSeq.
Comment: This variant was determined to be of uncertain significance according to ACMG Guidelines, 2015 [PMID:25741868].